The following is an entry in ClinVar:

ClinVar aggregate classification (germline): Uncertain significance (1 of 4 stars; one submission).

Allele frequency attached by ClinVar (database versions not stated): gnomAD 0.00001; gnomAD exomes 0.00001; TOPMed 0.00001.
gnomAD v4.1: 14 of 1,613,034 alleles (0.00087%); highest among the groups gnomAD compares: Admixed American, 0.012%; no homozygotes.

Submission:

Labcorp Genetics (formerly Invitae), Labcorp
Classification: Uncertain significance. Last evaluated: 2022-06-01. Review status: criteria provided, single submitter. Criteria: Invitae Variant Classification Sherloc (09022015). Collection method: clinical testing. Allele origin: germline.
Comment: This variant has not been reported in the literature in individuals affected with COL18A1-related conditions. This variant is present in population databases (no rsID available, gnomAD 0.01%). This sequence change replaces arginine, which is basic and polar, with tryptophan, which is neutral and slightly polar, at codon 1066 of the COL18A1 protein (p.Arg1066Trp). Experimental studies and prediction algorithms are not available or were not evaluated, and the functional significance of this variant is currently unknown. In summary, the available evidence is currently insufficient to determine the role of this variant in disease. Therefore, it has been classified as a Variant of Uncertain Significance.

NM_001379500.1(COL18A1):c.3205C>T (p.Arg1069Trp)

Genes: COL18A1 (collagen type XVIII alpha 1 chain; plus strand), SLC19A1 (solute carrier family 19 member 1; minus strand). Cytogenetic location: 21q22.3.
Variant type: single nucleotide variant.
Coding change: c.3205C>T on transcript NM_001379500.1 (MANE Select); coding-DNA position 3205, C replaced by T.
Protein change: p.Arg1069Trp; replaces arginine 1069 with tryptophan.
Molecular consequence: missense variant.
Genome position (GRCh38, 1-based): chr21:45,505,955, C>T. VCF-style: chr21-45505955-C-T. GRCh37 (hg19) VCF-style: chr21-46925869-C-T.
Other names: c.3736C>T, p.Arg1246Trp (NM_030582.4); c.4441C>T, p.Arg1481Trp (NM_130444.3); short protein forms R1069W, R1481W, R1246W.
Identifiers: ClinVar variation 1976510 (VCV001976510.3), dbSNP rs1466756224, ClinGen allele CA410500132.
Genomic context (GRCh38, chr21:45,505,955, plus strand): 5'-GGCTGGCTCATCTTCGTGGCCGAGCAGGAGGAGCTCTACGTCCGCGTGCAGAACGGGTTC[C>T]GGAAGGTCCAGGTGAGCGCTCTGTGTGACGGGTTCTGGACCCGTGGAAGGGCCGAAGCCG-3'
Protein context (NP_001366429.1, residues 1059-1079): ELYVRVQNGF[Arg1069Trp]KVQLEARTPL